The following is an entry in ClinVar:

ClinVar aggregate classification (germline): Uncertain significance (1 of 4 stars; one submission).

Allele frequency attached by ClinVar (database versions not stated): gnomAD exomes below 0.00001.

Submission:

Labcorp Genetics (formerly Invitae), Labcorp
Classification: Uncertain significance. Last evaluated: 2023-06-29. Review status: criteria provided, single submitter. Criteria: Invitae Variant Classification Sherloc (09022015). Collection method: clinical testing. Allele origin: germline.
Comment: In summary, the available evidence is currently insufficient to determine the role of this variant in disease. Therefore, it has been classified as a Variant of Uncertain Significance. Advanced modeling of protein sequence and biophysical properties (such as structural, functional, and spatial information, amino acid conservation, physicochemical variation, residue mobility, and thermodynamic stability) performed at Invitae indicates that this missense variant is not expected to disrupt DLL4 protein function. ClinVar contains an entry for this variant (Variation ID: 1720841). This variant has not been reported in the literature in individuals affected with DLL4-related conditions. This variant is not present in population databases (gnomAD no frequency). This sequence change replaces leucine, which is neutral and non-polar, with serine, which is neutral and polar, at codon 671 of the DLL4 protein (p.Leu671Ser).

NM_019074.4(DLL4):c.2012T>C (p.Leu671Ser)

Gene: DLL4 (delta like canonical Notch ligand 4; plus strand). Cytogenetic location: 15q15.1.
Variant type: single nucleotide variant.
Coding change: c.2012T>C on transcript NM_019074.4 (MANE Select); coding-DNA position 2012, T replaced by C.
Protein change: p.Leu671Ser; replaces leucine 671 with serine.
Molecular consequence: missense variant.
Genome position (GRCh38, 1-based): chr15:40,937,486, T>C. VCF-style: chr15-40937486-T-C. GRCh37 (hg19) VCF-style: chr15-41229684-T-C.
Other names: short protein forms L671S.
Identifiers: ClinVar variation 1720841 (VCV001720841.5), dbSNP rs1892861981, ClinGen allele CA391783446.
Genomic context (GRCh38, chr15:40,937,486, plus strand): 5'-CAGAGTGTCGGATATCAGCGATATGCTCCCCCAGGGACTCCATGTACCAGTCTGTGTGTT[T>C]GATATCAGAGGAGAGGAATGAATGTGTCATTGCCACGGAGGTGAGTGCTGGGCTCGCCTT-3'
Protein context (NP_061947.1, residues 661-681): PRDSMYQSVC[Leu671Ser]ISEERNECVI